The following is an entry in ClinVar:

ClinVar aggregate classification (germline): Conflicting classifications of pathogenicity. Review status: criteria provided, conflicting classifications (1 of 4 stars). 3 submissions from 3 submitters: Uncertain significance (1); Likely benign (2). Last evaluated 2025-09-02.

Conditions:
Inborn genetic diseases. Identifiers: MedGen C0950123, MeSH D030342.
Developmental and epileptic encephalopathy, 23 (DEE23). Also called: Epileptic encephalopathy, early infantile, 23. Identifiers: Orphanet 411986, MedGen C4014492, MONDO:0014371, OMIM 615859.

Allele frequency attached by ClinVar (database versions not stated): gnomAD exomes 0.00001; TOPMed 0.00001; gnomAD 0.00002.
gnomAD v4.1: 17 of 1,613,296 alleles (0.0011%); highest among the groups gnomAD compares: African/African-American, 0.0027%; no homozygotes.

Submissions (3):

Labcorp Genetics (formerly Invitae), Labcorp
Classification: Likely benign for Developmental and epileptic encephalopathy, 23. Last evaluated: 2025-09-02. Review status: criteria provided, single submitter. Criteria: Invitae Variant Classification Sherloc (09022015). Collection method: clinical testing. Allele origin: germline.

GeneDx
Classification: Uncertain significance. Last evaluated: 2025-05-07. Review status: criteria provided, single submitter. Criteria: GeneDx Variant Classification Process June 2021. Collection method: clinical testing. Allele origin: germline. Affected: yes.
Comment: Not observed at significant frequency in large population cohorts (gnomAD); Has not been previously published as pathogenic or benign to our knowledge; In silico analysis is inconclusive as to whether the variant alters gene splicing. In the absence of RNA/functional studies, the actual effect of this sequence change is unknown.

Ambry Genetics
Classification: Likely benign for Inborn genetic diseases. Last evaluated: 2024-12-06. Review status: criteria provided, single submitter. Criteria: Ambry Variant Classification Scheme 2023. Collection method: clinical testing. Allele origin: germline.

NM_001367561.1(DOCK7):c.6381A>G (p.Arg2127=)

Gene: DOCK7 (dedicator of cytokinesis 7; minus strand). Cytogenetic location: 1p31.3.
Variant type: single nucleotide variant.
Coding change: c.6381A>G on transcript NM_001367561.1 (MANE Select); coding-DNA position 6381, A replaced by G.
Protein change: p.Arg2127=; no amino-acid change (arginine 2127 retained).
Molecular consequence: synonymous variant.
Genome position (GRCh38, 1-based): chr1:62,455,456, T>C on the plus strand (A>G on the coding strand, the complement: DOCK7 is on the minus strand). VCF-style: chr1-62455456-T-C. GRCh37 (hg19) VCF-style: chr1-62921127-T-C.
Other names: c.6348A>G, p.Arg2116= (NM_001271999.2); c.6261A>G, p.Arg2087= (NM_001272000.2); c.6255A>G, p.Arg2085= (NM_001272001.2); c.6354A>G, p.Arg2118= (NM_001330614.2); c.6288A>G, p.Arg2096= (NM_033407.4); c.6288A>G (NM_033407.2).
Identifiers: ClinVar variation 848643 (VCV000848643.12), dbSNP rs1166858046, ClinGen allele CA418002498.